The following is an entry in ClinVar:

NM_000059.4(BRCA2):c.7319A>C (p.His2440Pro)

Gene: BRCA2 (BRCA2 DNA repair associated; plus strand). Cytogenetic location: 13q13.1.
Variant type: single nucleotide variant.
Coding change: c.7319A>C on transcript NM_000059.4 (MANE Select); coding-DNA position 7319, A replaced by C.
Protein change: p.His2440Pro; replaces histidine 2440 with proline.
Molecular consequence: missense variant.
Genome position (GRCh38, 1-based): chr13:32,355,172, A>C. VCF-style: chr13-32355172-A-C. GRCh37 (hg19) VCF-style: chr13-32929309-A-C.
Other names: short protein forms H2440P.
Identifiers: ClinVar variation 230293 (VCV000230293.10), dbSNP rs4986860, ClinGen allele CA10579732.

ClinVar aggregate classification (germline): Uncertain significance. Review status: criteria provided, multiple submitters, no conflicts (2 of 4 stars). 4 submissions from 4 submitters: Uncertain significance (4). Last evaluated 2024-08-13.

Conditions:
BRCA2-related cancer predisposition. Identifiers: MedGen CN377758, MONDO:0700269.
Hereditary cancer-predisposing syndrome. Also called: Hereditary neoplastic syndrome; Hereditary Cancer Syndrome; Neoplastic Syndromes, Hereditary; Tumor predisposition. Identifiers: Orphanet 140162, MedGen C0027672, MeSH D009386, MONDO:0015356.
Hereditary breast ovarian cancer syndrome. Also called: Hereditary breast and ovarian cancer syndrome; Hereditary breast and ovarian cancer syndrome (HBOC); Breast and ovarian cancer; Hereditary breast and/or ovarian cancer syndrome; Hereditary breast and ovarian cancer; BRCA1- and BRCA2-Associated Hereditary Breast and Ovarian Cancer. Identifiers: Orphanet 145, MedGen C0677776, MeSH D061325, MONDO:0003582. Disease mechanism: loss of function.

Submissions (4):

All of Us Research Program, National Institutes of Health
Classification: Uncertain significance for BRCA2-related cancer predisposition. Last evaluated: 2024-08-13. Review status: criteria provided, single submitter. Criteria: ACMG Guidelines, 2015. Collection method: clinical testing. Allele origin: germline. Inheritance: Autosomal dominant inheritance. Observed: 1 variant allele, 1 heterozygote.
Comment: This missense variant replaces histidine with proline at codon 2440 of the BRCA2 protein. Computational prediction suggests that this variant may not impact protein structure and function. To our knowledge, functional studies have not been reported for this variant. This variant has not been reported in individuals affected with BRCA2-related disorders in the literature. This variant has not been identified in the general population by the Genome Aggregation Database (gnomAD). The available evidence is insufficient to determine the role of this variant in disease conclusively. Therefore, this variant is classified as a Variant of Uncertain Significance.

This study involves interpretation of variants in research participants for the purpose of population health screening. Participant phenotype was not available at the time of variant classification. Additional details can be found in publication PMID: 35346344, PMCID: PMC8962531

Labcorp Genetics (formerly Invitae), Labcorp
Classification: Uncertain significance for Hereditary breast ovarian cancer syndrome. Last evaluated: 2024-01-18. Review status: criteria provided, single submitter. Criteria: Invitae Variant Classification Sherloc (09022015). Collection method: clinical testing. Allele origin: germline.
Comment: This sequence change replaces histidine, which is basic and polar, with proline, which is neutral and non-polar, at codon 2440 of the BRCA2 protein (p.His2440Pro). This variant is not present in population databases (gnomAD no frequency). This variant has not been reported in the literature in individuals affected with BRCA2-related conditions. ClinVar contains an entry for this variant (Variation ID: 230293). Advanced modeling of protein sequence and biophysical properties (such as structural, functional, and spatial information, amino acid conservation, physicochemical variation, residue mobility, and thermodynamic stability) performed at Invitae indicates that this missense variant is not expected to disrupt BRCA2 protein function with a negative predictive value of 95%. In summary, the available evidence is currently insufficient to determine the role of this variant in disease. Therefore, it has been classified as a Variant of Uncertain Significance.

Quest Diagnostics Nichols Institute San Juan Capistrano
Classification: Uncertain significance. Last evaluated: 2020-12-02. Review status: criteria provided, single submitter. Criteria: Quest Diagnostics criteria. Collection method: clinical testing. Allele origin: unknown.

Ambry Genetics
Classification: Uncertain significance for Hereditary cancer-predisposing syndrome. Last evaluated: 2017-05-06. Review status: criteria provided, single submitter. Criteria: Ambry Variant Classification Scheme 2023. Collection method: clinical testing. Allele origin: germline.
Comment: The p.H2440P variant (also known as c.7319A>C), located in coding exon 13 of the BRCA2 gene, results from an A to C substitution at nucleotide position 7319. The histidine at codon 2440 is replaced by proline, an amino acid with similar properties. This amino acid position is poorly conserved in available vertebrate species. In addition, this alteration is predicted to be tolerated by in silico analysis. Since supporting evidence is limited at this time, the clinical significance of this alteration remains unclear.